The following is an entry in ClinVar:

NM_000245.4(MET):c.367G>A (p.Asp123Asn)

Gene: MET (MET proto-oncogene, receptor tyrosine kinase; plus strand). Cytogenetic location: 7q31.2.
Variant type: single nucleotide variant.
Coding change: c.367G>A on transcript NM_000245.4 (MANE Select); coding-DNA position 367, G replaced by A.
Protein change: p.Asp123Asn; replaces aspartic acid 123 with asparagine.
Molecular consequence: missense variant. On other transcripts: intron variant (1).
Genome position (GRCh38, 1-based): chr7:116,699,451, G>A. VCF-style: chr7-116699451-G-A. GRCh37 (hg19) VCF-style: chr7-116339505-G-A.
Other names: c.367G>A, p.Asp123Asn (NM_001127500.3, NM_001324401.3); c.-91+26874G>A (NM_001324402.2); short protein forms D123N.
Identifiers: ClinVar variation 824062 (VCV000824062.18), dbSNP rs760106468, ClinGen allele CA4447982.

ClinVar aggregate classification (germline): Conflicting classifications of pathogenicity. Review status: criteria provided, conflicting classifications (1 of 4 stars). 4 submissions from 4 submitters: Uncertain significance (3); Likely benign (1). Last evaluated 2025-10-22.

Conditions:
Renal cell carcinoma. Identifiers: Orphanet 217071, MedGen C0007134, MeSH D002292, MONDO:0005086, HP:0005584.
Papillary renal cell carcinoma type 1 (RCCP1). Also called: Renal adenocarcinoma; Renal cell carcinoma 1; Renal cell carcinoma, somatic; RENAL CELL CARCINOMA, PAPILLARY, 1, SOMATIC. Identifiers: Orphanet 47044, MedGen C1336839, OMIM 605074, HP:0011797.
Hereditary cancer-predisposing syndrome. Also called: Neoplastic Syndromes, Hereditary; Tumor predisposition; Hereditary neoplastic syndrome; Hereditary Cancer Syndrome. Identifiers: Orphanet 140162, MedGen C0027672, MeSH D009386, MONDO:0015356.

Allele frequency attached by ClinVar (database versions not stated): ExAC 0.00001.

Submissions (4):

Labcorp Genetics (formerly Invitae), Labcorp
Classification: Uncertain significance for Renal cell carcinoma. Last evaluated: 2025-10-22. Review status: criteria provided, single submitter. Criteria: Invitae Variant Classification Sherloc (09022015). Collection method: clinical testing. Allele origin: germline.
Comment: This sequence change replaces aspartic acid, which is acidic and polar, with asparagine, which is neutral and polar, at codon 123 of the MET protein (p.Asp123Asn). The frequency data for this variant in the population databases is considered unreliable, as metrics indicate poor data quality at this position in the gnomAD database. This variant has not been reported in the literature in individuals affected with MET-related conditions. ClinVar contains an entry for this variant (Variation ID: 824062). Invitae Evidence Modeling of protein sequence and biophysical properties (such as structural, functional, and spatial information, amino acid conservation, physicochemical variation, residue mobility, and thermodynamic stability) indicates that this missense variant is not expected to disrupt MET protein function with a negative predictive value of 80%. In summary, the available evidence is currently insufficient to determine the role of this variant in disease. Therefore, it has been classified as a Variant of Uncertain Significance.

Ambry Genetics
Classification: Likely benign for Hereditary cancer-predisposing syndrome. Last evaluated: 2025-03-06. Review status: criteria provided, single submitter. Criteria: Ambry Variant Classification Scheme 2023. Collection method: clinical testing. Allele origin: germline.

GeneDx
Classification: Uncertain significance. Last evaluated: 2023-06-22. Review status: criteria provided, single submitter. Criteria: GeneDx Variant Classification Process June 2021. Collection method: clinical testing. Allele origin: germline. Affected: yes.
Comment: Not observed at significant frequency in large population cohorts (gnomAD); In silico analysis supports that this missense variant has a deleterious effect on protein structure/function; Has not been previously published as pathogenic or benign to our knowledge

Illumina Laboratory Services, Illumina
Classification: Uncertain significance for Papillary renal cell carcinoma type 1. Last evaluated: 2018-01-12. Review status: criteria provided, single submitter. Criteria: ICSL Variant Classification Criteria 13 December 2019. Collection method: clinical testing. Allele origin: germline.